The following is an entry in ClinVar:

NM_001278116.2(L1CAM):c.2721C>T (p.Ser907=)

Gene: L1CAM (L1 cell adhesion molecule; minus strand). Cytogenetic location: Xq28.
Variant type: single nucleotide variant.
Coding change: c.2721C>T on transcript NM_001278116.2 (MANE Select); coding-DNA position 2721, C replaced by T.
Protein change: p.Ser907=; no amino-acid change (serine 907 retained).
Molecular consequence: synonymous variant.
Genome position (GRCh38, 1-based): chrX:153,865,327, G>A on the plus strand (C>T on the coding strand, the complement: L1CAM is on the minus strand). VCF-style: chrX-153865327-G-A. GRCh37 (hg19) VCF-style: chrX-153130782-G-A.
Other names: c.2721C>T, p.Ser907= (NM_000425.5, NM_024003.3); c.2706C>T, p.Ser902= (NM_001143963.2).
Identifiers: ClinVar variation 458212 (VCV000458212.44), dbSNP rs200799618, ClinGen allele CA10554117.

ClinVar aggregate classification (germline): Benign/Likely benign. Review status: criteria provided, multiple submitters, no conflicts (2 of 4 stars). 3 submissions from 3 submitters: Benign (1); Likely benign (1). 1 of the submissions does not count toward it. Last evaluated 2025-03-03.

Conditions:
L1CAM-related disorder. Also called: L1CAM-related condition.
Spastic paraplegia. Identifiers: MedGen C0037772, HP:0001258.

Allele frequency attached by ClinVar (database versions not stated): ExAC 0.00001; TOPMed 0.00003; gnomAD 0.00006; ESP Exome Variant Server 0.00009.
gnomAD v4.1: 82 of 1,209,205 alleles (0.0068%); highest among the groups gnomAD compares: Non-Finnish European, 0.0082%; no homozygotes.

Submissions (3):

Labcorp Genetics (formerly Invitae), Labcorp
Classification: Benign for Spastic paraplegia. Last evaluated: 2025-03-03. Review status: criteria provided, single submitter. Criteria: Invitae Variant Classification Sherloc (09022015). Collection method: clinical testing. Allele origin: germline.

CeGaT Center for Human Genetics Tuebingen
Classification: Likely benign. Last evaluated: 2021-04-01. Review status: criteria provided, single submitter. Criteria: CeGaT Center For Human Genetics Tuebingen Variant Classification Criteria Version 2. Collection method: clinical testing. Allele origin: germline. Affected: yes. Observed: 1 variant allele.

PreventionGenetics, part of Exact Sciences
Classification: Likely benign for L1CAM-related condition. Last evaluated: 2024-09-18. Review status: no assertion criteria provided. Collection method: clinical testing. Allele origin: germline. Not counted in ClinVar's aggregate classification.
Comment: This variant is classified as likely benign based on ACMG/AMP sequence variant interpretation guidelines (Richards et al. 2015 PMID: 25741868, with internal and published modifications).